The following is an entry in ClinVar:

NM_000334.4(SCN4A):c.2801A>T (p.Glu934Val)

Genes: GH-LCR (growth hormone locus control region; plus strand), SCN4A (sodium voltage-gated channel alpha subunit 4; minus strand). Cytogenetic location: 17q23.3.
Variant type: single nucleotide variant.
Coding change: c.2801A>T on transcript NM_000334.4 (MANE Select); coding-DNA position 2801, A replaced by T.
Protein change: p.Glu934Val; replaces glutamic acid 934 with valine.
Molecular consequence: missense variant.
Genome position (GRCh38, 1-based): chr17:63,951,476, T>A on the plus strand (A>T on the coding strand, the complement: SCN4A is on the minus strand). VCF-style: chr17-63951476-T-A. GRCh37 (hg19) VCF-style: chr17-62028836-T-A.
Other names: short protein forms E934V.
Identifiers: ClinVar variation 2999040 (VCV002999040.3), dbSNP rs2509299754, ClinGen allele CA400624819.

ClinVar aggregate classification (germline): Uncertain significance (1 of 4 stars; one submission).

Conditions:
Hyperkalemic periodic paralysis. Also called: Familial hyperkalemic periodic paralysis; Gamstorp disease. Identifiers: Orphanet 682, MedGen C0238357, MONDO:0008224, OMIM 170500, HP:0007215.

Allele frequency attached by ClinVar (database versions not stated): gnomAD exomes below 0.00001.
gnomAD v4.1: 1 of 1,610,766 alleles (0.000062%); highest among the groups gnomAD compares: Middle Eastern, 0.017%; no homozygotes.

Submission:

Labcorp Genetics (formerly Invitae), Labcorp
Classification: Uncertain significance for Hyperkalemic periodic paralysis. Last evaluated: 2023-06-10. Review status: criteria provided, single submitter. Criteria: Invitae Variant Classification Sherloc (09022015). Collection method: clinical testing. Allele origin: germline.
Comment: This sequence change replaces glutamic acid, which is acidic and polar, with valine, which is neutral and non-polar, at codon 934 of the SCN4A protein (p.Glu934Val). This variant is not present in population databases (gnomAD no frequency). This variant has not been reported in the literature in individuals affected with SCN4A-related conditions. Advanced modeling of protein sequence and biophysical properties (such as structural, functional, and spatial information, amino acid conservation, physicochemical variation, residue mobility, and thermodynamic stability) has been performed at Invitae for this missense variant, however the output from this modeling did not meet the statistical confidence thresholds required to predict the impact of this variant on SCN4A protein function. In summary, the available evidence is currently insufficient to determine the role of this variant in disease. Therefore, it has been classified as a Variant of Uncertain Significance.